The following is an entry in ClinVar:

ClinVar aggregate classification (germline): Uncertain significance (1 of 4 stars; one submission).

Conditions:
Charcot-Marie-Tooth disease axonal type 2C (HMSN2C). Also called: Charcot-Marie-Tooth Disease Type 2, TRPV4-Related (CMT2C); CHARCOT-MARIE-TOOTH DISEASE, AXONAL, AUTOSOMAL DOMINANT, TYPE 2C; Charcot-Marie-Tooth Neuropathy Type 2C. Identifiers: Orphanet 99937, MedGen C1853710, MONDO:0011633, OMIM 606071.

Submission:

Labcorp Genetics (formerly Invitae), Labcorp
Classification: Uncertain significance for Charcot-Marie-Tooth disease axonal type 2C. Last evaluated: 2024-02-17. Review status: criteria provided, single submitter. Criteria: Invitae Variant Classification Sherloc (09022015). Collection method: clinical testing. Allele origin: germline.
Comment: This sequence change creates a premature translational stop signal (p.Gln274*) in the TRPV4 gene. It is expected to result in an absent or disrupted protein product. However, the current clinical and genetic evidence is not sufficient to establish whether loss-of-function variants in TRPV4 cause disease. This variant is not present in population databases (gnomAD no frequency). This variant has not been reported in the literature in individuals affected with TRPV4-related conditions. ClinVar contains an entry for this variant (Variation ID: 651274). In summary, the available evidence is currently insufficient to determine the role of this variant in disease. Therefore, it has been classified as a Variant of Uncertain Significance.

NM_021625.5(TRPV4):c.820C>T (p.Gln274Ter)

Gene: TRPV4 (transient receptor potential cation channel subfamily V member 4; minus strand). Cytogenetic location: 12q24.11.
Variant type: single nucleotide variant.
Coding change: c.820C>T on transcript NM_021625.5 (MANE Select); coding-DNA position 820, C replaced by T.
Protein change: p.Gln274Ter; replaces glutamine 274 with a stop codon.
Molecular consequence: nonsense. On other transcripts: intron variant (2).
Genome position (GRCh38, 1-based): chr12:109,800,651, G>A on the plus strand (C>T on the coding strand, the complement: TRPV4 is on the minus strand). VCF-style: chr12-109800651-G-A. GRCh37 (hg19) VCF-style: chr12-110238456-G-A.
Other names: c.820C>T, p.Gln274Ter (NM_147204.3); c.713-1739C>T (NM_001177433.1, NM_001177428.1); c.718C>T, p.Gln240Ter (NM_001177431.2); short protein forms Q240*, Q274*.
Identifiers: ClinVar variation 651274 (VCV000651274.6), dbSNP rs1592842140, ClinGen allele CA386655295.